The following is an entry in ClinVar:

NM_003809.3(TNFSF12):c.442C>T (p.Arg148Cys)

Genes: TNFSF12 (TNF superfamily member 12; plus strand), TNFSF12-TNFSF13 (TNFSF12-TNFSF13 readthrough; plus strand). Cytogenetic location: 17p13.1.
Variant type: single nucleotide variant.
Coding change: c.442C>T on transcript NM_003809.3 (MANE Select); coding-DNA position 442, C replaced by T.
Protein change: p.Arg148Cys; replaces arginine 148 with cysteine.
Molecular consequence: missense variant. On other transcripts: non-coding transcript variant (1).
Genome position (GRCh38, 1-based): chr17:7,556,846, C>T. VCF-style: chr17-7556846-C-T. GRCh37 (hg19) VCF-style: chr17-7460163-C-T.
Other names: c.442C>T, p.Arg148Cys (NM_172089.4); short protein forms R148C.
Identifiers: ClinVar variation 1523727 (VCV001523727.8), dbSNP rs764223156, ClinGen allele CA8350833.

ClinVar aggregate classification (germline): Uncertain significance (1 of 4 stars; one submission).

Conditions:
Common variable immunodeficiency (CVID). Also called: Common variable hypogamma-globulinemia; Common variable agammaglobulinemia. Identifiers: Orphanet 1572, MedGen C0009447, MONDO:0015517.

Allele frequency attached by ClinVar (database versions not stated): gnomAD 0.00001 and 0.00002; gnomAD exomes 0.00001 and 0.00003; ExAC 0.00003; TOPMed below 0.00001.

Submission:

Labcorp Genetics (formerly Invitae), Labcorp
Classification: Uncertain significance for Common variable immunodeficiency. Last evaluated: 2025-08-05. Review status: criteria provided, single submitter. Criteria: Invitae Variant Classification Sherloc (09022015). Collection method: clinical testing. Allele origin: germline.
Comment: This sequence change replaces arginine, which is basic and polar, with cysteine, which is neutral and slightly polar, at codon 148 of the TNFSF12 protein (p.Arg148Cys). This variant is present in population databases (rs764223156, gnomAD 0.03%). This variant has not been reported in the literature in individuals affected with TNFSF12-related conditions. ClinVar contains an entry for this variant (Variation ID: 1523727). An algorithm developed to predict the effect of missense changes on protein structure and function outputs the following: PolyPhen-2: "Benign". The cysteine amino acid residue is found in multiple mammalian species, which suggests that this missense change does not adversely affect protein function. In summary, the available evidence is currently insufficient to determine the role of this variant in disease. Therefore, it has been classified as a Variant of Uncertain Significance.